The following is an entry in ClinVar:

NM_002617.4(PEX10):c.865G>A (p.Gly289Ser)

Gene: PEX10 (peroxisomal biogenesis factor 10; minus strand). Cytogenetic location: 1p36.32.
Variant type: single nucleotide variant.
Coding change: c.865G>A on transcript NM_002617.4 (MANE Select); coding-DNA position 865, G replaced by A.
Protein change: p.Gly289Ser; replaces glycine 289 with serine.
Molecular consequence: missense variant. On other transcripts: non-coding transcript variant (1).
Genome position (GRCh38, 1-based): chr1:2,406,531, C>T on the plus strand (G>A on the coding strand, the complement: PEX10 is on the minus strand). VCF-style: chr1-2406531-C-T. GRCh37 (hg19) VCF-style: chr1-2337970-C-T.
Other names: c.922G>A, p.Gly308Ser (NM_001374425.1); c.490G>A, p.Gly164Ser (NM_001374426.1); c.433G>A, p.Gly145Ser (NM_001374427.1); c.925G>A, p.Gly309Ser (NM_153818.2); short protein forms G289S, G309S, G145S, G164S, G308S.
Identifiers: ClinVar variation 874476 (VCV000874476.8), dbSNP rs556603981, ClinGen allele CA537992.
Genomic context (GRCh38, chr1:2,406,531, plus strand): 5'-GCTCCCACCTCACCTTGCTGCTGCACCACGCGGTGATGCACTCCCAGCAGAACAGGTGGC[C>T]GCAGGGCGTGGCTGTTGGGTGCCTGCGCTCCTCCAGGCACAGGGTGCACAGGGGGTTTCT-3'
Protein context (NP_002608.1, residues 279-299): ERRHPTATPC[Gly289Ser]HLFCWECITA

ClinVar aggregate classification (germline): Uncertain significance. Review status: criteria provided, multiple submitters, no conflicts (2 of 4 stars). 4 submissions from 4 submitters: Uncertain significance (3). 1 of the submissions does not count toward it. Last evaluated 2025-05-19.

Conditions:
PEX10-related disorder. Also called: PEX10-related condition.
Zellweger spectrum disorders (ZS). Also called: Zellweger Spectrum Disorder; Zellweger Spectrum; Zellweger syndrome; Zellweger Spectrum Disorder (ZSD). Identifiers: Orphanet 912, MedGen C0043459, MONDO:0019609.
Peroxisome biogenesis disorder, complementation group 7 (CG7). Also called: Peroxisome biogenesis disorder, complementation group B. Identifiers: MedGen C1864399.
Peroxisome biogenesis disorder 6A (Zellweger). Also called: Peroxisome biogenesis disorder 6A. Identifiers: Orphanet 912, MedGen C3553947, MONDO:0013936, OMIM 614870.

Allele frequency attached by ClinVar (database versions not stated): ExAC 0.00001; TOPMed 0.00001; gnomAD exomes 0.00002; 1000 Genomes Project 30x 0.00016; 1000 Genomes Project 0.00020.

Submissions (4):

PreventionGenetics, part of Exact Sciences
Classification: Uncertain significance for PEX10-related condition. Last evaluated: 2025-05-19. Review status: criteria provided, single submitter. Criteria: ACMG Guidelines, 2015. Collection method: clinical testing. Allele origin: germline.
Comment: The PEX10 c.925G>A variant is predicted to result in the amino acid substitution p.Gly309Ser. To our knowledge, this variant has not been reported in the literature. This variant is reported in 0.0062% of alleles in individuals of African descent in gnomAD. At this time, the clinical significance of this variant is uncertain due to the absence of conclusive functional and genetic evidence.

Labcorp Genetics (formerly Invitae), Labcorp
Classification: Uncertain significance for Peroxisome biogenesis disorder, complementation group 7. Last evaluated: 2022-10-05. Review status: criteria provided, single submitter. Criteria: Invitae Variant Classification Sherloc (09022015). Collection method: clinical testing. Allele origin: germline.
Comment: This sequence change replaces glycine, which is neutral and non-polar, with serine, which is neutral and polar, at codon 309 of the PEX10 protein (p.Gly309Ser). This variant is present in population databases (rs556603981, gnomAD 0.007%). This variant has not been reported in the literature in individuals affected with PEX10-related conditions. ClinVar contains an entry for this variant (Variation ID: 874476). Algorithms developed to predict the effect of missense changes on protein structure and function (SIFT, PolyPhen-2, Align-GVGD) all suggest that this variant is likely to be disruptive. Algorithms developed to predict the effect of sequence changes on RNA splicing suggest that this variant may create or strengthen a splice site. In summary, the available evidence is currently insufficient to determine the role of this variant in disease. Therefore, it has been classified as a Variant of Uncertain Significance.

Illumina Laboratory Services, Illumina
Classification: Uncertain significance for Peroxisome biogenesis disorder 6A (Zellweger). Last evaluated: 2018-01-13. Review status: criteria provided, single submitter. Criteria: ICSL Variant Classification Criteria 13 December 2019. Collection method: clinical testing. Allele origin: germline.

Natera, Inc.
Classification: Uncertain significance for Zellweger syndrome. Last evaluated: 2020-03-11. Review status: no assertion criteria provided. Collection method: clinical testing. Allele origin: germline. Not counted in ClinVar's aggregate classification.